The following is an entry in ClinVar:

ClinVar aggregate classification (germline): Uncertain significance. Review status: criteria provided, multiple submitters, no conflicts (2 of 4 stars). 2 submissions from 2 submitters: Uncertain significance (2). Last evaluated 2022-05-27.

Allele frequency attached by ClinVar (database versions not stated): 1000 Genomes Project 30x 0.00031; 1000 Genomes Project 0.00040.
gnomAD v4.1: 246 of 1,608,612 alleles (0.015%); highest among the groups gnomAD compares: Non-Finnish European, 0.01%; no homozygotes.

Submissions (2):

Labcorp Genetics (formerly Invitae), Labcorp
Classification: Uncertain significance. Last evaluated: 2022-05-27. Review status: criteria provided, single submitter. Criteria: Invitae Variant Classification Sherloc (09022015). Collection method: clinical testing. Allele origin: germline.
Comment: This sequence change replaces valine, which is neutral and non-polar, with methionine, which is neutral and non-polar, at codon 393 of the LRRC56 protein (p.Val393Met). This variant is present in population databases (rs151206481, gnomAD 0.2%). This variant has not been reported in the literature in individuals affected with LRRC56-related conditions. Algorithms developed to predict the effect of missense changes on protein structure and function output the following: SIFT: "Tolerated"; PolyPhen-2: "Benign"; Align-GVGD: "Class C0". The methionine amino acid residue is found in multiple mammalian species, which suggests that this missense change does not adversely affect protein function. In summary, the available evidence is currently insufficient to determine the role of this variant in disease. Therefore, it has been classified as a Variant of Uncertain Significance.

Breakthrough Genomics
Classification: Uncertain significance. Review status: criteria provided, single submitter. Criteria: ACMG Guidelines, 2015. Collection method: not provided. Allele origin: germline. Inheritance: Autosomal recessive inheritance. Affected: yes.

NM_198075.4(LRRC56):c.1177G>A (p.Val393Met)

Gene: LRRC56 (leucine rich repeat containing 56; plus strand). Cytogenetic location: 11p15.5.
Variant type: single nucleotide variant.
Coding change: c.1177G>A on transcript NM_198075.4 (MANE Select); coding-DNA position 1177, G replaced by A.
Protein change: p.Val393Met; replaces valine 393 with methionine.
Molecular consequence: missense variant.
Genome position (GRCh38, 1-based): chr11:552,228, G>A. VCF-style: chr11-552228-G-A. GRCh37 (hg19) VCF-style: chr11-552228-G-A.
Other names: short protein forms V393M.
Identifiers: ClinVar variation 1467296 (VCV001467296.4), dbSNP rs151206481, ClinGen allele CA5779976.
Genomic context (GRCh38, chr11:552,228, plus strand): 5'-CCTGCAGACAGCTCTGACTTCCTGGCCTTGGCTGGGCTCAGGGCCTGGAGGGAACATGGC[G>A]TGCGGTGGGTGTCCCTCCAGCTCTTCCACTGGGTGTGTCCTGTCCCGTGGGGAAATCAGG-3'
Protein context (NP_932341.1, residues 383-403): AGLRAWREHG[Val393Met]RPLPYRHPES